The following is an entry in ClinVar:

NM_153676.4(USH1C):c.538C>G (p.Leu180Val)

Gene: USH1C (USH1 protein network component harmonin; minus strand). Cytogenetic location: 11p15.1.
Variant type: single nucleotide variant.
Coding change: c.538C>G on transcript NM_153676.4 (MANE Select); coding-DNA position 538, C replaced by G.
Protein change: p.Leu180Val; replaces leucine 180 with valine.
Molecular consequence: missense variant. On other transcripts: non-coding transcript variant (1).
Genome position (GRCh38, 1-based): chr11:17,526,794, G>C on the plus strand (C>G on the coding strand, the complement: USH1C is on the minus strand). VCF-style: chr11-17526794-G-C. GRCh37 (hg19) VCF-style: chr11-17548341-G-C.
Other names: c.538C>G, p.Leu180Val (NM_001297764.2, NM_005709.4); short protein forms L180V.
Identifiers: ClinVar variation 1060288 (VCV001060288.9), dbSNP rs747331051, ClinGen allele CA5904979.

ClinVar aggregate classification (germline): Uncertain significance. Review status: criteria provided, single submitter (1 of 4 stars). 2 submissions from 2 submitters: Uncertain significance (1). 1 of the submissions does not count toward it. Last evaluated 2024-10-08.

Conditions:
Usher syndrome type 1C. Also called: USHER SYNDROME, TYPE I, ACADIAN VARIETY. Identifiers: Orphanet 231169, Orphanet 886, MedGen C1848604, MONDO:0010171, OMIM 276904.

Allele frequency attached by ClinVar (database versions not stated): gnomAD exomes 0.00001; ExAC 0.00002.
gnomAD v4.1: 4 of 1,614,180 alleles (0.00025%); highest among the groups gnomAD compares: Non-Finnish European, 0.00034%; no homozygotes.

Submissions (2):

Labcorp Genetics (formerly Invitae), Labcorp
Classification: Uncertain significance. Last evaluated: 2024-10-08. Review status: criteria provided, single submitter. Criteria: Invitae Variant Classification Sherloc (09022015). Collection method: clinical testing. Allele origin: germline.
Comment: This sequence change replaces leucine, which is neutral and non-polar, with valine, which is neutral and non-polar, at codon 180 of the USH1C protein (p.Leu180Val). This variant is present in population databases (rs747331051, gnomAD 0.002%). This variant has not been reported in the literature in individuals affected with USH1C-related conditions. ClinVar contains an entry for this variant (Variation ID: 1060288). An algorithm developed to predict the effect of missense changes on protein structure and function (PolyPhen-2) suggests that this variant is likely to be tolerated. In summary, the available evidence is currently insufficient to determine the role of this variant in disease. Therefore, it has been classified as a Variant of Uncertain Significance.

Natera, Inc.
Classification: Uncertain significance for Usher syndrome type 1C. Last evaluated: 2020-12-18. Review status: no assertion criteria provided. Collection method: clinical testing. Allele origin: germline. Not counted in ClinVar's aggregate classification.